The following is an entry in ClinVar:

ClinVar aggregate classification (germline): Uncertain significance (1 of 4 stars; one submission).

Conditions:
Inborn genetic diseases. Identifiers: MedGen C0950123, MeSH D030342.

Submission:

Ambry Genetics
Classification: Uncertain significance for Inborn genetic diseases. Last evaluated: 2026-09-08. Review status: criteria provided, single submitter. Criteria: Ambry Variant Classification Scheme 2023. Collection method: clinical testing. Allele origin: germline.
Comment: The p.L173V variant (also known as c.517C>G), located in coding exon 1 of the CEBPA gene, results from a C to G substitution at nucleotide position 517. The leucine at codon 173 is replaced by valine, an amino acid with highly similar properties. This amino acid position is conserved. In addition, this alteration is predicted to be tolerated by in silico analysis. Based on the available evidence, the clinical significance of this variant remains unclear.

NM_004364.5(CEBPA):c.517C>G (p.Leu173Val)

Gene: CEBPA (CCAAT enhancer binding protein alpha; minus strand). Cytogenetic location: 19q13.11.
Variant type: single nucleotide variant.
Coding change: c.517C>G on transcript NM_004364.5 (MANE Select); coding-DNA position 517, C replaced by G.
Protein change: p.Leu173Val; replaces leucine 173 with valine.
Molecular consequence: missense variant.
Genome position (GRCh38, 1-based): chr19:33,301,898, G>C on the plus strand (C>G on the coding strand, the complement: CEBPA is on the minus strand). VCF-style: chr19-33301898-G-C. GRCh37 (hg19) VCF-style: chr19-33792804-G-C.
Other names: c.160C>G, p.Leu54Val (NM_001285829.2); c.622C>G, p.Leu208Val (NM_001287424.2); c.475C>G, p.Leu159Val (NM_001287435.2); short protein forms L173V, L208V, L159V, L54V.
Identifiers: ClinVar variation 5034324 (VCV005034324.1).